The following is an entry in ClinVar:

NM_213649.2(SFXN4):c.361-284A>G

Gene: SFXN4 (sideroflexin 4; minus strand). Cytogenetic location: 10q26.11.
Variant type: single nucleotide variant.
Coding change: c.361-284A>G on transcript NM_213649.2 (MANE Select); 284 bases into the intron before coding-DNA position 361, A replaced by G.
Molecular consequence: intron variant.
Genome position (GRCh38, 1-based): chr10:119,158,346, T>C on the plus strand (A>G on the coding strand, the complement: SFXN4 is on the minus strand). VCF-style: chr10-119158346-T-C. GRCh37 (hg19) VCF-style: chr10-120917858-T-C.
Identifiers: ClinVar variation 683828 (VCV000683828.1), dbSNP rs4751700, ClinGen allele CA214181819.

ClinVar aggregate classification (germline): Benign (1 of 4 stars; one submission).

Allele frequency attached by ClinVar (database versions not stated): 1000 Genomes Project 30x 0.98064; TOPMed 0.98181; 1000 Genomes Project 0.98263; gnomAD 0.98357 and 0.98465.
gnomAD v4.1: 149,882 of 152,198 alleles (98%); highest among the groups gnomAD compares: Middle Eastern, 100%; 73,840 homozygotes.

Submission:

GeneDx
Classification: Benign. Last evaluated: 2018-06-14. Review status: criteria provided, single submitter. Criteria: GeneDx Variant Classification (06012015). Collection method: clinical testing. Allele origin: germline. Affected: yes.
Comment: This variant is considered likely benign or benign based on one or more of the following criteria: it is a conservative change, it occurs at a poorly conserved position in the protein, it is predicted to be benign by multiple in silico algorithms, and/or has population frequency not consistent with disease.